The following is an entry in ClinVar:

NM_004082.5(DCTN1):c.2297G>A (p.Arg766Gln)

Gene: DCTN1 (dynactin subunit 1; minus strand). Cytogenetic location: 2p13.1.
Variant type: single nucleotide variant.
Coding change: c.2297G>A on transcript NM_004082.5 (MANE Select); coding-DNA position 2297, G replaced by A.
Protein change: p.Arg766Gln; replaces arginine 766 with glutamine.
Molecular consequence: missense variant. On other transcripts: non-coding transcript variant (1).
Genome position (GRCh38, 1-based): chr2:74,367,064, C>T on the plus strand (G>A on the coding strand, the complement: DCTN1 is on the minus strand). VCF-style: chr2-74367064-C-T. GRCh37 (hg19) VCF-style: chr2-74594191-C-T.
Other names: c.2237G>A, p.Arg746Gln (NM_001135040.3); c.1895G>A, p.Arg632Gln (NM_001135041.3, NM_023019.4); c.2186G>A, p.Arg729Gln (NM_001190836.2); c.2276G>A, p.Arg759Gln (NM_001190837.2); c.2246G>A, p.Arg749Gln (NM_001378991.1); c.2228G>A, p.Arg743Gln (NM_001378992.1); short protein forms R632Q, R729Q, R746Q, R759Q, R766Q, R743Q, R749Q.
Identifiers: ClinVar variation 898590 (VCV000898590.12), dbSNP rs200611961, ClinGen allele CA1721884.

ClinVar aggregate classification (germline): Uncertain significance. Review status: criteria provided, multiple submitters, no conflicts (2 of 4 stars). 3 submissions from 2 submitters: Uncertain significance (3). Last evaluated 2025-11-03.

Conditions:
Amyotrophic lateral sclerosis type 1 (ALS1). Also called: AMYOTROPHIC LATERAL SCLEROSIS 1, FAMILIAL. Identifiers: Orphanet 803, MedGen C1862939, MONDO:0007103, OMIM 105400.
Perry syndrome. Also called: PARKINSONISM WITH ALVEOLAR HYPOVENTILATION AND MENTAL DEPRESSION. Identifiers: Orphanet 178509, MedGen C1868594, MONDO:0008201, OMIM 168605.
Neuronopathy, distal hereditary motor, type 7B. Also called: HMN VIIB; LOWER MOTOR NEURON DISEASE, DYNACTIN TYPE; Distal Hereditary Motor Neuronopathy Type 7B (dHMN7B); NEURONOPATHY, DISTAL HEREDITARY MOTOR, AUTOSOMAL DOMINANT 14; NEURONOPATHY, DISTAL HEREDITARY MOTOR, HARDING TYPE VIIB; NEUROPATHY, DISTAL HEREDITARY MOTOR, HARDING TYPE VIIB. Identifiers: Orphanet 139589, MedGen C1843315, MONDO:0011879, OMIM 607641.

Allele frequency attached by ClinVar (database versions not stated): gnomAD exomes below 0.00001; ExAC 0.00001; gnomAD 0.00001; 1000 Genomes Project 30x 0.00016; 1000 Genomes Project 0.00020.
gnomAD v4.1: 4 of 1,614,192 alleles (0.00025%); highest among the groups gnomAD compares: African/African-American, 0.0013%; no homozygotes.

Submissions (3):

Labcorp Genetics (formerly Invitae), Labcorp
Classification: Uncertain significance for Amyotrophic lateral sclerosis type 1; Neuronopathy, distal hereditary motor, type 7B; Perry syndrome. Last evaluated: 2025-11-03. Review status: criteria provided, single submitter. Criteria: Invitae Variant Classification Sherloc (09022015). Collection method: clinical testing. Allele origin: germline.
Comment: This sequence change replaces arginine, which is basic and polar, with glutamine, which is neutral and polar, at codon 766 of the DCTN1 protein (p.Arg766Gln). This variant is present in population databases (rs200611961, gnomAD 0.007%). This missense change has been observed in individual(s) with clinical features of Perry syndrome (PMID: 32557143). ClinVar contains an entry for this variant (Variation ID: 898590). Invitae Evidence Modeling of protein sequence and biophysical properties (such as structural, functional, and spatial information, amino acid conservation, physicochemical variation, residue mobility, and thermodynamic stability) indicates that this missense variant is not expected to disrupt DCTN1 protein function with a negative predictive value of 95%. In summary, the available evidence is currently insufficient to determine the role of this variant in disease. Therefore, it has been classified as a Variant of Uncertain Significance.

Illumina Laboratory Services, Illumina
Classification: Uncertain significance for Perry syndrome. Last evaluated: 2018-01-13. Review status: criteria provided, single submitter. Criteria: ICSL Variant Classification Criteria 13 December 2019. Collection method: clinical testing. Allele origin: germline.

Illumina Laboratory Services, Illumina
Classification: Uncertain significance for Neuronopathy, distal hereditary motor, type 7B. Last evaluated: 2018-01-13. Review status: criteria provided, single submitter. Criteria: ICSL Variant Classification Criteria 13 December 2019. Collection method: clinical testing. Allele origin: germline.

Literature cited by the submitters: PubMed 32557143 (cited by Labcorp Genetics (formerly Invitae), Labcorp).